The following is an entry in ClinVar:

NC_000011.9:g.(?_108137878)_(108236235_?)dup

Gene: ATM (ATM serine/threonine kinase; plus strand). Cytogenetic location: 11q22.3.
Variant type: Duplication.
Identifiers: ClinVar variation 3244492 (VCV003244492.1).

ClinVar aggregate classification (germline): Uncertain significance (1 of 4 stars; one submission).

Conditions:
Ataxia-telangiectasia syndrome (AT). Also called: LOUIS-BAR SYNDROME; Cerebello-oculocutaneous telangiectasia; Immunodeficiency with ataxia telangiectasia; AT, COMPLEMENTATION GROUP C; Ataxia-telangiectasia, complementation group D; ATAXIA-TELANGIECTASIA, COMPLEMENTATION GROUP A. Identifiers: Orphanet 100, MedGen C0004135, MONDO:0008840, OMIM 208900.

Submission:

Labcorp Genetics (formerly Invitae), Labcorp
Classification: Uncertain significance for Ataxia-telangiectasia syndrome. Last evaluated: 2022-08-23. Review status: criteria provided, single submitter. Criteria: Invitae Variant Classification Sherloc (09022015). Collection method: clinical testing. Allele origin: unknown.
Comment: In summary, the available evidence is currently insufficient to determine the role of this variant in disease. Therefore, it has been classified as a Variant of Uncertain Significance. Experimental studies and prediction algorithms are not available or were not evaluated, and the functional significance of this variant is currently unknown. This variant has not been reported in the literature in individuals affected with ATM-related conditions. This variant results in a copy number gain of the genomic region encompassing exon(s) 17-63 of the ATM gene. This region includes the termination codon of the gene. This copy number gain extends beyond the assayed region for this gene and therefore may encompass additional genes. As the precise location of this event is unknown, it may be in tandem or it may be located elsewhere in the genome.